The following is an entry in ClinVar:

NM_144997.7(FLCN):c.1345C>G (p.Leu449Val)

Gene: FLCN (folliculin; minus strand). Cytogenetic location: 17p11.2.
Variant type: single nucleotide variant.
Coding change: c.1345C>G on transcript NM_144997.7 (MANE Select); coding-DNA position 1345, C replaced by G.
Protein change: p.Leu449Val; replaces leucine 449 with valine.
Molecular consequence: missense variant.
Genome position (GRCh38, 1-based): chr17:17,215,272, G>C on the plus strand (C>G on the coding strand, the complement: FLCN is on the minus strand). VCF-style: chr17-17215272-G-C. GRCh37 (hg19) VCF-style: chr17-17118586-G-C.
Other names: c.1399C>G, p.Leu467Val (NM_001353229.2); c.1345C>G, p.Leu449Val (NM_001353230.2, NM_001353231.2); short protein forms L467V, L449V.
Identifiers: ClinVar variation 1770456 (VCV001770456.5), dbSNP rs2144839246, ClinGen allele CA398531408.
Genomic context (GRCh38, chr17:17,215,272, plus strand): 5'-TGGTCACCACAAACTCGTACTTGCTGAGAGACTGGTCATCCTCACACCCCACAGGGTGGA[G>C]GGTGGAACGTGCGGCTGCGTGGACCTCCACGATGACAGCAAACTCTGTAACAACACAAGG-3'
Protein context (NP_659434.2, residues 439-459): VEVHAAARST[Leu449Val]HPVGCEDDQS

ClinVar aggregate classification (germline): Uncertain significance. Review status: criteria provided, multiple submitters, no conflicts (2 of 4 stars). 2 submissions from 2 submitters: Uncertain significance (2). Last evaluated 2025-11-26.

Conditions:
Hereditary cancer-predisposing syndrome. Also called: Tumor predisposition; Neoplastic Syndromes, Hereditary; Hereditary Cancer Syndrome; Hereditary neoplastic syndrome. Identifiers: Orphanet 140162, MedGen C0027672, MeSH D009386, MONDO:0015356.
Birt-Hogg-Dube syndrome. Also called: Birt Hogg Dubé syndrome. Identifiers: Orphanet 122, MedGen C0346010, MONDO:0800444.

Submissions (2):

Ambry Genetics
Classification: Uncertain significance for Hereditary cancer-predisposing syndrome. Last evaluated: 2025-11-26. Review status: criteria provided, single submitter. Criteria: Ambry Variant Classification Scheme 2023. Collection method: clinical testing. Allele origin: germline.
Comment: The p.L449V variant (also known as c.1345C>G), located in coding exon 9 of the FLCN gene, results from a C to G substitution at nucleotide position 1345. The leucine at codon 449 is replaced by valine, an amino acid with highly similar properties. This amino acid position is conserved. In addition, this alteration is predicted to be tolerated by in silico analysis. Since supporting evidence is limited at this time, the clinical significance of this alteration remains unclear.

Labcorp Genetics (formerly Invitae), Labcorp
Classification: Uncertain significance for Birt-Hogg-Dube syndrome. Last evaluated: 2024-03-16. Review status: criteria provided, single submitter. Criteria: Invitae Variant Classification Sherloc (09022015). Collection method: clinical testing. Allele origin: germline.
Comment: This sequence change replaces leucine, which is neutral and non-polar, with valine, which is neutral and non-polar, at codon 449 of the FLCN protein (p.Leu449Val). This variant is not present in population databases (gnomAD no frequency). This variant has not been reported in the literature in individuals affected with FLCN-related conditions. ClinVar contains an entry for this variant (Variation ID: 1770456). Advanced modeling of protein sequence and biophysical properties (such as structural, functional, and spatial information, amino acid conservation, physicochemical variation, residue mobility, and thermodynamic stability) performed at Invitae indicates that this missense variant is not expected to disrupt FLCN protein function with a negative predictive value of 80%. In summary, the available evidence is currently insufficient to determine the role of this variant in disease. Therefore, it has been classified as a Variant of Uncertain Significance.